The following is an entry in ClinVar:

ClinVar aggregate classification (germline): Likely benign (1 of 4 stars; one submission).

Conditions:
SCAPER-related disorder. Also called: SCAPER-related condition.

gnomAD v4.1: 1 of 1,608,442 alleles (0.000062%); highest among the groups gnomAD compares: Non-Finnish European, 0.000085%; no homozygotes.

Submission:

PreventionGenetics, part of Exact Sciences
Classification: Likely benign for SCAPER-related condition. Last evaluated: 2025-08-13. Review status: criteria provided, single submitter. Criteria: ACMG Guidelines, 2015. Collection method: clinical testing. Allele origin: germline.
Comment: This variant is classified as likely benign based on ACMG/AMP sequence variant interpretation guidelines (Richards et al. 2015 PMID: 25741868, with internal and published modifications).

NM_020843.4(SCAPER):c.3706-7T>C

Gene: SCAPER (S-phase cyclin A associated protein in the ER; minus strand). Cytogenetic location: 15q24.3.
Variant type: single nucleotide variant.
Coding change: c.3706-7T>C on transcript NM_020843.4 (MANE Select); 7 bases into the intron before coding-DNA position 3706, T replaced by C.
Molecular consequence: intron variant.
Genome position (GRCh38, 1-based): chr15:76,376,318, A>G on the plus strand (T>C on the coding strand, the complement: SCAPER is on the minus strand). VCF-style: chr15-76376318-A-G. GRCh37 (hg19) VCF-style: chr15-76668659-A-G.
Other names: c.3322-7T>C (NM_001353011.2); c.3304-7T>C (NM_001353012.2, NM_001353010.2); c.3724-7T>C (NM_001353009.2); c.2968-7T>C (NM_001145923.2).
Identifiers: ClinVar variation 5001705 (VCV005001705.1).